The following is an entry in ClinVar:

NM_000152.5(GAA):c.706del (p.Val236fs)

Gene: GAA (alpha glucosidase; plus strand). Cytogenetic location: 17q25.3.
Variant type: Deletion.
Coding change: c.706del on transcript NM_000152.5 (MANE Select); coding-DNA position 706, one base deleted (G; older notation c.706delG).
Protein change: p.Val236fs; shifts the reading frame from valine 236.
Molecular consequence: frameshift variant.
Genome position (GRCh38, 1-based): chr17:80,107,570, G deleted; the last of 2 consecutive G bases (chr17:80,107,569-80,107,570); deleting either gives the same sequence. VCF-style (leftmost placement, unchanged base first): chr17-80107568-CG-C. GRCh37 (hg19) VCF-style: chr17-78081367-CG-C.
Other names: c.706delG, p.Val236Trpfs (NM_000152.3); c.706del, p.Val236fs (NM_001079803.3, NM_001079804.3, NM_001406741.1 and 1 more transcripts); short protein forms V236fs.
Identifiers: ClinVar variation 3777360 (VCV003777360.4).

ClinVar aggregate classification (germline): Pathogenic/Likely pathogenic. Review status: criteria provided, multiple submitters, no conflicts (2 of 4 stars). 4 submissions from 4 submitters: Pathogenic (3); Likely pathogenic (1). Last evaluated 2026-07-01.

Conditions:
Glycogen storage disease, type II (IOPD). Also called: POMPE DISEASE, INFANTILE-ONSET; GLYCOGEN STORAGE DISEASE II, INFANTILE-ONSET; ACID ALPHA-GLUCOSIDASE DEFICIENCY, INFANTILE-ONSET; GAA DEFICIENCY, INFANTILE-ONSET; ACID MALTASE DEFICIENCY, INFANTILE-ONSET; CARDIOMEGALIA GLYCOGENICA DIFFUSA. Identifiers: Orphanet 365, MedGen C0017921, MONDO:0009290, OMIM 232300.
GAA-related disorders.

Submissions (4):

Genomenon, Inc
Classification: Pathogenic for Glycogen storage disease, type II. Last evaluated: 2026-07-01. Review status: criteria provided, single submitter. Criteria: Genomenon Sequence Variant Interpretation Standards - Updated. Collection method: curation. Allele origin: germline. Affected: yes.
Comment: GAA p.Val236TrpfsTer32 (c.706del) is a frameshift variant that is predicted to introduce a premature termination codon and result in a truncated or absent protein product. This variant has been observed in at least one proband with a GAA-related disorder (PMID:34501319). It is absent or not present at a significant frequency in gnomAD. In conclusion, we classify GAA p.Val236TrpfsTer32 (c.706del) as a pathogenic variant.

Labcorp Genetics (formerly Invitae), Labcorp
Classification: Pathogenic for Glycogen storage disease, type II. Last evaluated: 2025-04-30. Review status: criteria provided, single submitter. Criteria: Invitae Variant Classification Sherloc (09022015). Collection method: clinical testing. Allele origin: germline.
Comment: This sequence change creates a premature translational stop signal (p.Val236Trpfs*32) in the GAA gene. It is expected to result in an absent or disrupted protein product. Loss-of-function variants in GAA are known to be pathogenic (PMID: 18425781, 22252923). This variant is not present in population databases (gnomAD no frequency). This premature translational stop signal has been observed in individual(s) with Pompe disease (PMID: 34501319). For these reasons, this variant has been classified as Pathogenic.

Blueprint Genetics
Classification: Likely pathogenic for GAA-related disorders. Last evaluated: 2024-10-14. Review status: criteria provided, single submitter. Criteria: ACMG Guidelines, 2015. Collection method: clinical testing. Allele origin: germline. Affected: yes. Observed: 4 variant alleles.

GeneDx
Classification: Pathogenic. Last evaluated: 2024-10-09. Review status: criteria provided, single submitter. Criteria: GeneDx Variant Classification Process June 2021. Collection method: clinical testing. Allele origin: germline. Affected: yes.
Comment: Reported with a second GAA variant in a proband in published literature with a suspected muscle disorder and a diagnosis of Pompe disease based on low acid alpha-glucosidase activity, but detailed clinical information was not provided (PMID: 34501319); Frameshift variant predicted to result in protein truncation or nonsense mediated decay in a gene for which loss of function is a known mechanism of disease; Not observed at significant frequency in large population cohorts (gnomAD); This variant is associated with the following publications: (PMID: 34501319)

Literature cited by the submitters: PubMed 34501319 (cited by Genomenon, Inc and Labcorp Genetics (formerly Invitae), Labcorp); PubMed 18425781 (cited by Labcorp Genetics (formerly Invitae), Labcorp); PubMed 22252923 (cited by Labcorp Genetics (formerly Invitae), Labcorp).